The following is an entry in ClinVar:

NM_000434.4(NEU1):c.116C>T (p.Ser39Phe)

Gene: NEU1 (neuraminidase 1; minus strand). Cytogenetic location: 6p21.33.
Variant type: single nucleotide variant.
Coding change: c.116C>T on transcript NM_000434.4 (MANE Select); coding-DNA position 116, C replaced by T.
Protein change: p.Ser39Phe; replaces serine 39 with phenylalanine.
Molecular consequence: missense variant.
Genome position (GRCh38, 1-based): chr6:31,862,661, G>A on the plus strand (C>T on the coding strand, the complement: NEU1 is on the minus strand). VCF-style: chr6-31862661-G-A. GRCh37 (hg19) VCF-style: chr6-31830438-G-A.
Other names: short protein forms S39F.
Identifiers: ClinVar variation 1381058 (VCV001381058.3), dbSNP rs749906179, ClinGen allele CA3725096.

ClinVar aggregate classification (germline): Uncertain significance (1 of 4 stars; one submission).

Allele frequency attached by ClinVar (database versions not stated): gnomAD exomes below 0.00001; ExAC 0.00001.
gnomAD v4.1: 4 of 1,613,082 alleles (0.00025%); highest among the groups gnomAD compares: Admixed American, 0.0017%; no homozygotes.

Submission:

Labcorp Genetics (formerly Invitae), Labcorp
Classification: Uncertain significance. Last evaluated: 2021-09-14. Review status: criteria provided, single submitter. Criteria: Invitae Variant Classification Sherloc (09022015). Collection method: clinical testing. Allele origin: germline.
Comment: This sequence change replaces serine with phenylalanine at codon 39 of the NEU1 protein (p.Ser39Phe). The serine residue is moderately conserved and there is a large physicochemical difference between serine and phenylalanine. The frequency data for this variant in the population databases is considered unreliable, as metrics indicate poor data quality at this position in the ExAC database. This variant has not been reported in the literature in individuals affected with NEU1-related conditions. Algorithms developed to predict the effect of missense changes on protein structure and function (SIFT, PolyPhen-2, Align-GVGD) all suggest that this variant is likely to be tolerated. In summary, the available evidence is currently insufficient to determine the role of this variant in disease. Therefore, it has been classified as a Variant of Uncertain Significance.